The following is an entry in ClinVar:

ClinVar aggregate classification (germline): Likely benign. Review status: criteria provided, multiple submitters, no conflicts (2 of 4 stars). 4 submissions from 4 submitters: Likely benign (4). Last evaluated 2026-01-28.

Conditions:
Developmental and epileptic encephalopathy, 33 (DEE33). Also called: Epileptic encephalopathy, early infantile, 33. Identifiers: Orphanet 442835, MedGen C4225337, MONDO:0014625, OMIM 616409.

Allele frequency attached by ClinVar (database versions not stated): gnomAD 0.00009; TOPMed 0.00011.
gnomAD v4.1: 43 of 1,608,450 alleles (0.0027%); highest among the groups gnomAD compares: African/African-American, 0.025%; no homozygotes.

Submissions (4):

Labcorp Genetics (formerly Invitae), Labcorp
Classification: Likely benign for Developmental and epileptic encephalopathy, 33. Last evaluated: 2026-01-28. Review status: criteria provided, single submitter. Criteria: Invitae Variant Classification Sherloc (09022015). Collection method: clinical testing. Allele origin: germline.

CeGaT Center for Human Genetics Tuebingen
Classification: Likely benign. Last evaluated: 2024-07-01. Review status: criteria provided, single submitter. Criteria: CeGaT Center For Human Genetics Tuebingen Variant Classification Criteria Version 2. Collection method: clinical testing. Allele origin: germline. Affected: yes. Observed: 1 variant allele.
Comment: EEF1A2: BP4, BP7

Blueprint Genetics
Classification: Likely benign. Last evaluated: 2023-12-18. Review status: criteria provided, single submitter. Criteria: ACMG Guidelines, 2015. Collection method: clinical testing. Allele origin: germline.

GeneDx
Classification: Likely benign. Last evaluated: 2019-11-11. Review status: criteria provided, single submitter. Criteria: GeneDx Variant Classification Process June 2021. Collection method: clinical testing. Allele origin: germline. Affected: yes.

NM_001958.5(EEF1A2):c.621C>T (p.Asn207=)

Gene: EEF1A2 (eukaryotic translation elongation factor 1 alpha 2; minus strand). Cytogenetic location: 20q13.33.
Variant type: single nucleotide variant.
Coding change: c.621C>T on transcript NM_001958.5 (MANE Select); coding-DNA position 621, C replaced by T.
Protein change: p.Asn207=; no amino-acid change (asparagine 207 retained).
Molecular consequence: synonymous variant.
Genome position (GRCh38, 1-based): chr20:63,494,805, G>A on the plus strand (C>T on the coding strand, the complement: EEF1A2 is on the minus strand). VCF-style: chr20-63494805-G-A. GRCh37 (hg19) VCF-style: chr20-62126158-G-A.
Identifiers: ClinVar variation 580255 (VCV000580255.32), dbSNP rs544401782, ClinGen allele CA9959068.